The following is an entry in ClinVar:

NM_000465.4(BARD1):c.904A>G (p.Lys302Glu)

Gene: BARD1 (BRCA1 associated RING domain 1; minus strand). Cytogenetic location: 2q35.
Variant type: single nucleotide variant.
Coding change: c.904A>G on transcript NM_000465.4 (MANE Select); coding-DNA position 904, A replaced by G.
Protein change: p.Lys302Glu; replaces lysine 302 with glutamic acid.
Molecular consequence: missense variant. On other transcripts: non-coding transcript variant (2), intron variant (3).
Genome position (GRCh38, 1-based): chr2:214,780,970, T>C on the plus strand (A>G on the coding strand, the complement: BARD1 is on the minus strand). VCF-style: chr2-214780970-T-C. GRCh37 (hg19) VCF-style: chr2-215645694-T-C.
Other names: c.847A>G, p.Lys283Glu (NM_001282543.2); c.159-28415A>G (NM_001282548.2); c.215+16091A>G (NM_001282545.2); c.364+11327A>G (NM_001282549.2); short protein forms K283E, K302E.
Identifiers: ClinVar variation 5032805 (VCV005032805.1).

ClinVar aggregate classification (germline): Uncertain significance (1 of 4 stars; one submission).

Conditions:
Hereditary cancer-predisposing syndrome. Also called: Neoplastic Syndromes, Hereditary; Tumor predisposition; Hereditary neoplastic syndrome; Hereditary Cancer Syndrome. Identifiers: Orphanet 140162, MedGen C0027672, MeSH D009386, MONDO:0015356.

Submission:

Ambry Genetics
Classification: Uncertain significance for Hereditary cancer-predisposing syndrome. Last evaluated: 2026-07-21. Review status: criteria provided, single submitter. Criteria: Ambry Variant Classification Scheme 2023. Collection method: clinical testing. Allele origin: germline.
Comment: The p.K302E variant (also known as c.904A>G), located in coding exon 4 of the BARD1 gene, results from an A to G substitution at nucleotide position 904. The lysine at codon 302 is replaced by glutamic acid, an amino acid with similar properties. This amino acid position is conserved. In addition, this alteration is predicted to be tolerated by in silico analysis. Based on the available evidence, the clinical significance of this variant remains unclear.